The following is an entry in ClinVar:

NM_001365276.2(TNXB):c.10378G>C (p.Glu3460Gln)

Gene: TNXB (tenascin XB; minus strand). Cytogenetic location: 6p21.33.
Variant type: single nucleotide variant.
Coding change: c.10378G>C on transcript NM_001365276.2 (MANE Select); coding-DNA position 10378, G replaced by C.
Protein change: p.Glu3460Gln; replaces glutamic acid 3460 with glutamine.
Molecular consequence: missense variant.
Genome position (GRCh38, 1-based): chr6:32,046,403, C>G on the plus strand (G>C on the coding strand, the complement: TNXB is on the minus strand). VCF-style: chr6-32046403-C-G. GRCh37 (hg19) VCF-style: chr6-32014180-C-G.
Other names: c.11119G>C, p.Glu3707Gln (NM_001428335.1); c.10372G>C, p.Glu3458Gln (NM_019105.8); short protein forms E3458Q, E3460Q, E3707Q.
Identifiers: ClinVar variation 3227224 (VCV003227224.1), dbSNP rs2483395738, ClinGen allele CA363529281.

ClinVar aggregate classification (germline): Uncertain significance (1 of 4 stars; one submission).

Conditions:
Cardiovascular phenotype. Identifiers: MedGen CN230736.

Submission:

Ambry Genetics
Classification: Uncertain significance for Cardiovascular phenotype. Last evaluated: 2023-10-15. Review status: criteria provided, single submitter. Criteria: Ambry Variant Classification Scheme 2023. Collection method: clinical testing. Allele origin: germline.
Comment: The p.E3458Q variant (also known as c.10372G>C), located in coding exon 30 of the TNXB gene, results from a G to C substitution at nucleotide position 10372. The glutamic acid at codon 3458 is replaced by glutamine, an amino acid with highly similar properties. This amino acid position is conserved. In addition, this alteration is predicted to be tolerated by in silico analysis. Since supporting evidence is limited at this time, the clinical significance of this alteration remains unclear.